The following is an entry in ClinVar:

NM_002472.3(MYH8):c.11G>A (p.Ser4Asn)

Genes: MYHAS (myosin heavy chain gene cluster antisense RNA; plus strand), MYH8 (myosin heavy chain 8; minus strand). Cytogenetic location: 17p13.1.
Variant type: single nucleotide variant.
Coding change: c.11G>A on transcript NM_002472.3 (MANE Select); coding-DNA position 11, G replaced by A.
Protein change: p.Ser4Asn; replaces serine 4 with asparagine.
Molecular consequence: missense variant.
Genome position (GRCh38, 1-based): chr17:10,420,217, C>T on the plus strand (G>A on the coding strand, the complement: MYH8 is on the minus strand). VCF-style: chr17-10420217-C-T. GRCh37 (hg19) VCF-style: chr17-10323534-C-T.
Other names: short protein forms S4N.
Identifiers: ClinVar variation 452066 (VCV000452066.3), dbSNP rs1555558639, ClinGen allele CA398140075.
Genomic context (GRCh38, chr17:10,420,217, plus strand): 5'-TTTTCTGATTTTCGAAGGTAGGGAGCAGCTTCGCCAAAAACAGCCATCTCAGCGTCTGAG[C>T]TCGCACTCATGGCTGCGATTTATTTAGCAAAGGATTCTGCCTAGGGAGGAGAGAAACGGG-3'
Protein context (NP_002463.2, residues 1-14): MSA[Ser4Asn]SDAEMAVFGE

ClinVar aggregate classification (germline): Uncertain significance (1 of 4 stars; one submission).

gnomAD v4.1: 1 of 1,613,196 alleles (0.000062%); highest among the groups gnomAD compares: Non-Finnish European, 0.000085%; no homozygotes.

Submission:

GeneDx
Classification: Uncertain significance. Last evaluated: 2019-12-03. Review status: criteria provided, single submitter. Criteria: GeneDx Variant Classification Process June 2021. Collection method: clinical testing. Allele origin: germline. Affected: yes.
Comment: Not observed in large population cohorts (Lek et al., 2016); In silico analysis, which includes protein predictors and evolutionary conservation, supports that this variant does not alter protein structure/function; Has not been previously published as pathogenic or benign to our knowledge